The following is an entry in ClinVar:

NM_000375.3(UROS):c.*96G>A

Gene: UROS (uroporphyrinogen III synthase; minus strand). Cytogenetic location: 10q26.2.
Variant type: single nucleotide variant.
Coding change: c.*96G>A on transcript NM_000375.3 (MANE Select); 96 bases downstream of the stop codon, G replaced by A.
Molecular consequence: 3 prime UTR variant. On other transcripts: non-coding transcript variant (3).
Genome position (GRCh38, 1-based): chr10:125,788,772, C>T on the plus strand (G>A on the coding strand, the complement: UROS is on the minus strand). VCF-style: chr10-125788772-C-T. GRCh37 (hg19) VCF-style: chr10-127477341-C-T.
Other names: c.*96G>A (NM_001324036.2, NM_001324037.2, NM_001324038.2).
Identifiers: ClinVar variation 877580 (VCV000877580.4), dbSNP rs182303293, ClinGen allele CA215333149.

ClinVar aggregate classification (germline): Likely benign (1 of 4 stars; one submission).

Conditions:
Congenital erythropoietic porphyria. Also called: Porphyria, Erythropoietic; Congenital porphyria; Günther disease; Uroporphyrinogen III synthase, deficiency of; UROPORPHYRINOGEN III SYNTHASE DEFICIENCY; GUNTHER DISEASE. Identifiers: Orphanet 79277, MedGen C5886774, MONDO:0009902, OMIM 263700.

Allele frequency attached by ClinVar (database versions not stated): gnomAD 0.00063 and 0.00048; 1000 Genomes Project 30x 0.00265; 1000 Genomes Project 0.00280; TOPMed 0.00073.
gnomAD v4.1: 646 of 1,484,116 alleles (0.044%); highest among the groups gnomAD compares: East Asian, 0.97%; 6 homozygotes.

Submission:

Illumina Laboratory Services, Illumina
Classification: Likely benign for Congenital erythropoietic porphyria. Last evaluated: 2018-01-13. Review status: criteria provided, single submitter. Criteria: ICSL Variant Classification Criteria 13 December 2019. Collection method: clinical testing. Allele origin: germline.
Comment: This variant was observed in the ICSL laboratory as part of a predisposition screen in an ostensibly healthy population. It had not been previously curated by ICSL or reported in the Human Gene Mutation Database (HGMD: prior to June 1st, 2018), and was therefore a candidate for classification through an automated scoring system. Utilizing variant allele frequency, disease prevalence and penetrance estimates, and inheritance mode, an automated score was calculated to assess if this variant is too frequent to cause the disease. Based on the score and internal cut-off values, a variant classified as likely benign is not then subjected to further curation. The score for this variant resulted in a classification of likely benign for this disease.